The following is an entry in ClinVar:

NM_001287491.2(TET3):c.1242C>G (p.His414Gln)

Gene: TET3 (tet methylcytosine dioxygenase 3; plus strand). Cytogenetic location: 2p13.1.
Variant type: single nucleotide variant.
Coding change: c.1242C>G on transcript NM_001287491.2 (MANE Select); coding-DNA position 1242, C replaced by G.
Protein change: p.His414Gln; replaces histidine 414 with glutamine.
Molecular consequence: missense variant.
Genome position (GRCh38, 1-based): chr2:74,047,159, C>G. VCF-style: chr2-74047159-C-G. GRCh37 (hg19) VCF-style: chr2-74274286-C-G.
Other names: c.963C>G, p.His321Gln (NM_001366022.1); short protein forms H321Q, H414Q.
Identifiers: ClinVar variation 4996072 (VCV004996072.1).
Genomic context (GRCh38, chr2:74,047,159, plus strand): 5'-CAGATCTCCCCAGTCTTACCTCCGGGCTCCCTCATGGCCTGTGGTTCCTCCTGAAGAGCA[C>G]TCATCTTTTGCTCCTGATAGCTCTGCCTTCCCTCCAGCAACTCCTAGAACTGAGTTCCCT-3'
Protein context (NP_001274420.1, residues 404-424): PSWPVVPPEE[His414Gln]SSFAPDSSAF

ClinVar aggregate classification (germline): Uncertain significance (1 of 4 stars; one submission).

Conditions:
TET3-related disorder. Also called: TET3-Related Disease; TET3-related condition.

Submission:

PreventionGenetics, part of Exact Sciences
Classification: Uncertain significance for TET3-related condition. Last evaluated: 2025-09-05. Review status: criteria provided, single submitter. Criteria: ACMG Guidelines, 2015. Collection method: clinical testing. Allele origin: germline.
Comment: The TET3 c.1242C>G variant is predicted to result in the amino acid substitution p.His414Gln. To our knowledge, this variant has not been reported in the literature or in a large population database (gnomAD), indicating this variant is rare. At this time, the clinical significance of this variant is uncertain due to the absence of conclusive functional and genetic evidence.